The following is an entry in ClinVar:

ClinVar aggregate classification (germline): Uncertain significance (1 of 4 stars; one submission).

Submission:

Labcorp Genetics (formerly Invitae), Labcorp
Classification: Uncertain significance. Last evaluated: 2022-01-03. Review status: criteria provided, single submitter. Criteria: Invitae Variant Classification Sherloc (09022015). Collection method: clinical testing. Allele origin: germline.
Comment: This sequence change replaces leucine, which is neutral and non-polar, with proline, which is neutral and non-polar, at codon 1383 of the KMT2A protein (p.Leu1383Pro). This variant is not present in population databases (gnomAD no frequency). In summary, the available evidence is currently insufficient to determine the role of this variant in disease. Therefore, it has been classified as a Variant of Uncertain Significance. Algorithms developed to predict the effect of missense changes on protein structure and function (SIFT, PolyPhen-2, Align-GVGD) all suggest that this variant is likely to be tolerated. This variant has not been reported in the literature in individuals affected with KMT2A-related conditions.

NM_001197104.2(KMT2A):c.4148T>C (p.Leu1383Pro)

Gene: KMT2A (lysine methyltransferase 2A; plus strand). Cytogenetic location: 11q23.3.
Variant type: single nucleotide variant.
Coding change: c.4148T>C on transcript NM_001197104.2 (MANE Select); coding-DNA position 4148, T replaced by C.
Protein change: p.Leu1383Pro; replaces leucine 1383 with proline.
Molecular consequence: missense variant.
Genome position (GRCh38, 1-based): chr11:118,484,244, T>C. VCF-style: chr11-118484244-T-C. GRCh37 (hg19) VCF-style: chr11-118354959-T-C.
Other names: c.4148T>C, p.Leu1383Pro (NM_005933.4); short protein forms L1383P.
Identifiers: ClinVar variation 1461805 (VCV001461805.6), dbSNP rs2134311436, ClinGen allele CA382830139.
Genomic context (GRCh38, chr11:118,484,244, plus strand): 5'-AAAAACCACCTCCGGTCAATAAGCAGGAGAATGCAGGCACTTTGAACATCCTCAGCACTC[T>C]CTCCAATGGCAATAGTTCTAAGCAAAAAATTCCAGCAGATGGAGTCCACAGGATCAGAGT-3'
Protein context (NP_001184033.1, residues 1373-1393): NAGTLNILST[Leu1383Pro]SNGNSSKQKI